The following is an entry in ClinVar:

ClinVar aggregate classification (germline): Likely pathogenic (1 of 4 stars; one submission).

Submission:

CeGaT Center for Human Genetics Tuebingen
Classification: Likely pathogenic. Last evaluated: 2026-04-01. Review status: criteria provided, single submitter. Criteria: CeGaT Center For Human Genetics Tuebingen Variant Classification Criteria Version 2. Collection method: clinical testing. Allele origin: germline. Affected: yes. Observed: 1 variant allele.
Comment: ACADM: PM2, PP4:Moderate, PM3:Supporting, PP3

NM_000016.6(ACADM):c.850-17A>G

Gene: ACADM (acyl-CoA dehydrogenase medium chain; plus strand). Cytogenetic location: 1p31.1.
Variant type: single nucleotide variant.
Coding change: c.850-17A>G on transcript NM_000016.6 (MANE Select); 17 bases into the intron before coding-DNA position 850, A replaced by G.
Molecular consequence: intron variant.
Genome position (GRCh38, 1-based): chr1:75,750,434, A>G. VCF-style: chr1-75750434-A-G. GRCh37 (hg19) VCF-style: chr1-76216119-A-G.
Other names: c.862-17A>G (NM_001127328.3); c.949-17A>G (NM_001286043.2); c.742-17A>G (NM_001286042.2); c.283-17A>G (NM_001286044.2).
Identifiers: ClinVar variation 4874121 (VCV004874121.2).